The following is an entry in ClinVar:

NM_006206.6(PDGFRA):c.2189A>T (p.Asp730Val)

Gene: PDGFRA (platelet derived growth factor receptor alpha; plus strand). Cytogenetic location: 4q12.
Variant type: single nucleotide variant.
Coding change: c.2189A>T on transcript NM_006206.6 (MANE Select); coding-DNA position 2189, A replaced by T.
Protein change: p.Asp730Val; replaces aspartic acid 730 with valine.
Molecular consequence: missense variant.
Genome position (GRCh38, 1-based): chr4:54,280,348, A>T. VCF-style: chr4-54280348-A-T. GRCh37 (hg19) VCF-style: chr4-55146515-A-T.
Other names: c.2189A>T, p.Asp730Val (NM_001347827.2, NM_001347829.2); c.2264A>T, p.Asp755Val (NM_001347828.2); c.2228A>T, p.Asp743Val (NM_001347830.2); short protein forms D743V, D730V, D755V.
Identifiers: ClinVar variation 1522758 (VCV001522758.6), dbSNP rs2110323522, ClinGen allele CA356894262.

ClinVar aggregate classification (germline): Uncertain significance (1 of 4 stars; one submission).

Conditions:
Gastrointestinal stromal tumor. Also called: Gastrointestinal stromal tumor, somatic; Gastrointestinal stroma tumor. Identifiers: Orphanet 44890, MedGen C0238198, MeSH D046152, MONDO:0011719, OMIM 606764, HP:0100723.

Submission:

Labcorp Genetics (formerly Invitae), Labcorp
Classification: Uncertain significance for Gastrointestinal stromal tumor. Last evaluated: 2021-07-30. Review status: criteria provided, single submitter. Criteria: Invitae Variant Classification Sherloc (09022015). Collection method: clinical testing. Allele origin: germline.
Comment: In summary, the available evidence is currently insufficient to determine the role of this variant in disease. Therefore, it has been classified as a Variant of Uncertain Significance. Algorithms developed to predict the effect of missense changes on protein structure and function are either unavailable or do not agree on the potential impact of this missense change (SIFT: "Deleterious"; PolyPhen-2: "Probably Damaging"; Align-GVGD: "Class C0"). This variant has not been reported in the literature in individuals affected with PDGFRA-related conditions. This variant is not present in population databases (ExAC no frequency). This sequence change replaces aspartic acid with valine at codon 730 of the PDGFRA protein (p.Asp730Val). The aspartic acid residue is highly conserved and there is a large physicochemical difference between aspartic acid and valine.